The following is an entry in ClinVar:

ClinVar aggregate classification (germline): Benign/Likely benign. Review status: criteria provided, multiple submitters, no conflicts (2 of 4 stars). 5 submissions from 5 submitters: Benign (1); Likely benign (4). Last evaluated 2026-01-25.

Allele frequency attached by ClinVar (database versions not stated): 1000 Genomes Project 0.00180; 1000 Genomes Project 30x 0.00203; TOPMed 0.00261; gnomAD 0.00300 and 0.00307; ESP Exome Variant Server 0.00369.
gnomAD v4.1: 5,910 of 1,613,346 alleles (0.37%); highest among the groups gnomAD compares: Non-Finnish European, 0.41%; 18 homozygotes.

Submissions (14):

Labcorp Genetics (formerly Invitae), Labcorp
Classification: Benign. Last evaluated: 2026-01-25. Review status: criteria provided, single submitter. Criteria: Invitae Variant Classification Sherloc (09022015). Collection method: clinical testing. Allele origin: germline.

Mayo Clinic Laboratories, Mayo Clinic
Classification: Likely benign. Last evaluated: 2025-01-20. Review status: criteria provided, single submitter. Criteria: ACMG Guidelines, 2015. Collection method: clinical testing. Allele origin: germline. Observed: 10 variant alleles.
Comment: BS2, BP4, BP7

Blueprint Genetics
Classification: Likely benign. Last evaluated: 2024-11-17. Review status: criteria provided, single submitter. Criteria: ACMG Guidelines, 2015. Collection method: clinical testing. Allele origin: germline.

CeGaT Center for Human Genetics Tuebingen
Classification: Likely benign. Last evaluated: 2024-04-01. Review status: criteria provided, single submitter. Criteria: CeGaT Center For Human Genetics Tuebingen Variant Classification Criteria Version 2. Collection method: clinical testing. Allele origin: germline. Affected: yes. Observed: 10 variant alleles.
Comment: WDR1: BP4

Breakthrough Genomics
Classification: Likely benign. Review status: criteria provided, single submitter. Criteria: ACMG Guidelines, 2015. Collection method: not provided. Allele origin: germline. Inheritance: Autosomal recessive inheritance. Affected: yes.

Dr. Peter K. Rogan Lab, Western University
No classification provided (evidence only). Condition: Lung cancer. Review status: no classification provided. Collection method: in vitro. Allele origin: not applicable. Functional consequence: retained intron. Not counted in ClinVar's aggregate classification.

Dr. Peter K. Rogan Lab, Western University
No classification provided (evidence only). Condition: Sarcoma. Review status: no classification provided. Collection method: in vitro. Allele origin: not applicable. Functional consequence: retained intron. Not counted in ClinVar's aggregate classification.

Dr. Peter K. Rogan Lab, Western University
No classification provided (evidence only). Condition: Sarcoma. Review status: no classification provided. Collection method: in vitro. Allele origin: not applicable. Functional consequence: retained intron. Not counted in ClinVar's aggregate classification.

Dr. Peter K. Rogan Lab, Western University
No classification provided (evidence only). Condition: Ovarian serous cystadenocarcinoma. Review status: no classification provided. Collection method: in vitro. Allele origin: not applicable. Functional consequence: retained intron. Not counted in ClinVar's aggregate classification.

Dr. Peter K. Rogan Lab, Western University
No classification provided (evidence only). Condition: Ovarian serous cystadenocarcinoma. Review status: no classification provided. Collection method: in vitro. Allele origin: not applicable. Functional consequence: retained intron. Not counted in ClinVar's aggregate classification.

Dr. Peter K. Rogan Lab, Western University
No classification provided (evidence only). Condition: Gastric cancer. Review status: no classification provided. Collection method: in vitro. Allele origin: not applicable. Functional consequence: retained intron. Not counted in ClinVar's aggregate classification.

Dr. Peter K. Rogan Lab, Western University
No classification provided (evidence only). Condition: Malignant tumor of esophagus. Review status: no classification provided. Collection method: in vitro. Allele origin: not applicable. Functional consequence: retained intron. Not counted in ClinVar's aggregate classification.

Dr. Peter K. Rogan Lab, Western University
No classification provided (evidence only). Condition: Malignant tumor of esophagus. Review status: no classification provided. Collection method: in vitro. Allele origin: not applicable. Functional consequence: retained intron. Not counted in ClinVar's aggregate classification.

Dr. Peter K. Rogan Lab, Western University
No classification provided (evidence only). Condition: Lymphoma. Review status: no classification provided. Collection method: in vitro. Allele origin: not applicable. Functional consequence: retained intron. Not counted in ClinVar's aggregate classification.

NM_017491.5(WDR1):c.17-8C>G

Gene: WDR1 (WD repeat domain 1; minus strand). Cytogenetic location: 4p16.1.
Variant type: single nucleotide variant.
Coding change: c.17-8C>G on transcript NM_017491.5 (MANE Select); 8 bases into the intron before coding-DNA position 17, C replaced by G.
Molecular consequence: intron variant.
Genome position (GRCh38, 1-based): chr4:10,116,242, G>C on the plus strand (C>G on the coding strand, the complement: WDR1 is on the minus strand). VCF-style: chr4-10116242-G-C. GRCh37 (hg19) VCF-style: chr4-10117866-G-C.
Other names: p.?; c.17-8C>G (NM_005112.5).
Identifiers: ClinVar variation 711389 (VCV000711389.50), dbSNP rs79673783, ClinGen allele CA2858264.
Genomic context (GRCh38, chr4:10,116,242, plus strand): 5'-GATGATCTTGGAGACGCCCCTCTCCACCTGCGGGAGGCTGGCGAACACCTTCTCTGCGGA[G>C]ACACAAATGCGGCGGGGCATGTCAGGGCAGGGCGGGGACGGCGGGGACAGAAGGGAGAAG-3'